The following is an entry in ClinVar:

NM_017735.5(TTC27):c.1925T>C (p.Val642Ala)

Gene: TTC27 (tetratricopeptide repeat domain 27; plus strand). Cytogenetic location: 2p22.3.
Variant type: single nucleotide variant.
Coding change: c.1925T>C on transcript NM_017735.5 (MANE Select); coding-DNA position 1925, T replaced by C.
Protein change: p.Val642Ala; replaces valine 642 with alanine.
Molecular consequence: missense variant.
Genome position (GRCh38, 1-based): chr2:32,787,076, T>C. VCF-style: chr2-32787076-T-C. GRCh37 (hg19) VCF-style: chr2-33012143-T-C.
Other names: NM_001193509.2:c.1775T>C; c.1775T>C, p.Val592Ala (NM_001193509.2); short protein forms V592A, V642A.
Identifiers: ClinVar variation 3252046 (VCV003252046.1), dbSNP rs748497472.
Genomic context (GRCh38, chr2:32,787,076, plus strand): 5'-TCAAGTGTAACTATGAACACTGGCAGATTTGGGAAAACTACATCCTCACCAGCACTGACG[T>C]TGGGGAATTTTCAGAAGCCATTAAAGCTTATCACCGGCTCTTGGACTTACGTGACAAATA-3'
Protein context (NP_060205.3, residues 632-652): WENYILTSTD[Val642Ala]GEFSEAIKAY

ClinVar aggregate classification (germline): Uncertain significance (1 of 4 stars; one submission).

Conditions:
Neuromuscular disease. Also called: Neuromyopathy; Neuromuscular disorder. Identifiers: Orphanet 68381, MedGen C0027868, MeSH D009468, MONDO:0019056.

Allele frequency attached by ClinVar (database versions not stated): ExAC 0.00002.
gnomAD v4.1: 15 of 1,614,046 alleles (0.00093%); highest among the groups gnomAD compares: South Asian, 0.0088%; no homozygotes.

Submission:

Broad Center for Mendelian Genomics, Broad Institute of MIT and Harvard
Classification: Uncertain significance for Neuromuscular disease. Last evaluated: 2024-06-19. Review status: criteria provided, single submitter. Criteria: ACMG Guidelines, 2015. Collection method: curation. Allele origin: germline. Inheritance: Autosomal recessive inheritance. Study: GREGoR Consortium.
Comment: While this gene is still lacking sufficient evidence to establish a gene-disease relationship, we believe this is a possible novel gene candidate for neuromuscular disease. Given the limited information about this gene-disease relationship, the significance of the p.Val642Ala variant is uncertain. If you have any additional information about functional evidence or other individuals with this phenotype that also have variants in TTC27 we encourage you to reach out to us.